The following is an entry in ClinVar:

NM_199242.3(UNC13D):c.321+2T>G

Gene: UNC13D (unc-13 homolog D; minus strand). Cytogenetic location: 17q25.1.
Variant type: single nucleotide variant.
Coding change: c.321+2T>G on transcript NM_199242.3 (MANE Select); the canonical splice donor site of the intron after coding-DNA position 321, T replaced by G.
Molecular consequence: splice donor variant.
Genome position (GRCh38, 1-based): chr17:75,843,012, A>C on the plus strand (T>G on the coding strand, the complement: UNC13D is on the minus strand). VCF-style: chr17-75843012-A-C. GRCh37 (hg19) VCF-style: chr17-73839093-A-C.
Identifiers: ClinVar variation 2101869 (VCV002101869.4), dbSNP rs2545987854, ClinGen allele CA401115749.

ClinVar aggregate classification (germline): Likely pathogenic (1 of 4 stars; one submission).

Conditions:
Familial hemophagocytic lymphohistiocytosis 3 (FHL3). Also called: UNC13D-Related Familial Hemophagocytic Lymphohistiocytosis (UNC13D-fHLH). Identifiers: Orphanet 540, MedGen C1837174, MONDO:0012146, OMIM 608898.

Submission:

Labcorp Genetics (formerly Invitae), Labcorp
Classification: Likely pathogenic for Familial hemophagocytic lymphohistiocytosis 3. Last evaluated: 2024-10-28. Review status: criteria provided, single submitter. Criteria: Invitae Variant Classification Sherloc (09022015). Collection method: clinical testing. Allele origin: germline.
Comment: This sequence change affects a donor splice site in intron 4 of the UNC13D gene. It is expected to disrupt RNA splicing. Variants that disrupt the donor or acceptor splice site typically lead to a loss of protein function (PMID: 16199547), and loss-of-function variants in UNC13D are known to be pathogenic (PMID: 14622600). This variant is not present in population databases (gnomAD no frequency). This variant has not been reported in the literature in individuals affected with UNC13D-related conditions. ClinVar contains an entry for this variant (Variation ID: 2101869). Algorithms developed to predict the effect of sequence changes on RNA splicing suggest that this variant may disrupt the consensus splice site. In summary, the currently available evidence indicates that the variant is pathogenic, but additional data are needed to prove that conclusively. Therefore, this variant has been classified as Likely Pathogenic.

Literature cited by the submitters: PubMed 16199547; PubMed 14622600.